The following is an entry in ClinVar:

NM_001384140.1(PCDH15):c.407T>C (p.Val136Ala)

Gene: PCDH15 (protocadherin related 15; minus strand). Cytogenetic location: 10q21.1.
Variant type: single nucleotide variant.
Coding change: c.407T>C on transcript NM_001384140.1 (MANE Select); coding-DNA position 407, T replaced by C.
Protein change: p.Val136Ala; replaces valine 136 with alanine.
Molecular consequence: missense variant.
Genome position (GRCh38, 1-based): chr10:54,369,187, A>G on the plus strand (T>C on the coding strand, the complement: PCDH15 is on the minus strand). VCF-style: chr10-54369187-A-G. GRCh37 (hg19) VCF-style: chr10-56128947-A-G.
Other names: c.422T>C, p.Val141Ala (NM_001142763.2, NM_001142769.4, NM_001142771.2); c.407T>C, p.Val136Ala (NM_001142764.2, NM_001142765.2, NM_001142766.2 and 8 more transcripts); c.341T>C, p.Val114Ala (NM_001142768.2, NM_001142773.2, NM_001354404.2); short protein forms V114A, V136A, V141A.
Identifiers: ClinVar variation 3251873 (VCV003251873.1), dbSNP rs1410919978.

ClinVar aggregate classification (germline): Uncertain significance (1 of 4 stars; one submission).

Allele frequency attached by ClinVar (database versions not stated): TOPMed below 0.00001; gnomAD 0.00001.

Submission:

Women's Health and Genetics/Laboratory Corporation of America, LabCorp
Classification: Uncertain significance. Last evaluated: 2024-04-18. Review status: criteria provided, single submitter. Criteria: LabCorp Variant Classification Summary - May 2015. Collection method: clinical testing. Allele origin: germline.
Comment: Variant summary: PCDH15 c.407T>C (p.Val136Ala) results in a non-conservative amino acid change located in the Extracellular Cadherin domain (PF18432) of the encoded protein sequence. Four of five in-silico tools predict a damaging effect of the variant on protein function. The variant was absent in 250800 control chromosomes. The available data on variant occurrences in the general population are insufficient to allow any conclusion about variant significance. c.407T>C has been reported in the literature in an individual affected with Usher Syndrome Type 1 (Roux_2011). These data do not allow any conclusion about variant significance. To our knowledge, no experimental evidence demonstrating an impact on protein function has been reported. The following publication has been ascertained in the context of this evaluation (PMID: 21436283). No submitters have cited clinical-significance assessments for this variant to ClinVar. Based on the evidence outlined above, the variant was classified as uncertain significance.

Literature cited by the submitters: PubMed 21436283.